The following is an entry in ClinVar:

NM_006648.4(WNK2):c.5619C>G (p.Phe1873Leu)

Gene: WNK2 (WNK lysine deficient protein kinase 2; plus strand). Cytogenetic location: 9q22.31.
Variant type: single nucleotide variant.
Coding change: c.5619C>G on transcript NM_006648.4 (MANE Select); coding-DNA position 5619, C replaced by G.
Protein change: p.Phe1873Leu; replaces phenylalanine 1873 with leucine.
Molecular consequence: missense variant.
Genome position (GRCh38, 1-based): chr9:93,293,084, C>G. VCF-style: chr9-93293084-C-G. GRCh37 (hg19) VCF-style: chr9-96055366-C-G.
Other names: c.5730C>G, p.Phe1910Leu (NM_001282394.3); short protein forms F1873L, F1910L.
Identifiers: ClinVar variation 4201729 (VCV004201729.1).

ClinVar aggregate classification (germline): Uncertain significance (1 of 4 stars; one submission).

gnomAD v4.1: 3 of 1,608,614 alleles (0.00019%); highest among the groups gnomAD compares: Non-Finnish European, 0.00025%; no homozygotes.

Submission:

Ambry Genetics
Classification: Uncertain significance. Last evaluated: 2025-08-09. Review status: criteria provided, single submitter. Criteria: Ambry Variant Classification Scheme 2023. Collection method: clinical testing. Allele origin: germline.
Comment: The p.F1873L variant (also known as c.5619C>G), located in coding exon 22 of the WNK2 gene, results from a C to G substitution at nucleotide position 5619. The phenylalanine at codon 1873 is replaced by leucine, an amino acid with highly similar properties. This amino acid position is conserved. In addition, the in silico prediction for this alteration is inconclusive. Based on the available evidence, the clinical significance of this variant remains unclear.